The following is an entry in ClinVar:

ClinVar aggregate classification (germline): Uncertain significance (1 of 4 stars; one submission).

Conditions:
Hereditary cancer-predisposing syndrome. Also called: Neoplastic Syndromes, Hereditary; Hereditary Cancer Syndrome; Tumor predisposition; Hereditary neoplastic syndrome. Identifiers: Orphanet 140162, MedGen C0027672, MeSH D009386, MONDO:0015356.

Submission:

Ambry Genetics
Classification: Uncertain significance for Hereditary cancer-predisposing syndrome. Last evaluated: 2025-02-04. Review status: criteria provided, single submitter. Criteria: Ambry Variant Classification Scheme 2023. Collection method: clinical testing. Allele origin: germline.
Comment: The p.S522I variant (also known as c.1565G>T), located in coding exon 8 of the RET gene, results from a G to T substitution at nucleotide position 1565. The serine at codon 522 is replaced by isoleucine, an amino acid with dissimilar properties. This amino acid position is conserved. In addition, the in silico prediction for this alteration is inconclusive. Based on the available evidence, the clinical significance of this variant remains unclear.

NM_020975.6(RET):c.1565G>T (p.Ser522Ile)

Gene: RET (ret proto-oncogene; plus strand). Cytogenetic location: 10q11.21.
Variant type: single nucleotide variant.
Coding change: c.1565G>T on transcript NM_020975.6 (MANE Select); coding-DNA position 1565, G replaced by T.
Protein change: p.Ser522Ile; replaces serine 522 with isoleucine.
Molecular consequence: missense variant.
Genome position (GRCh38, 1-based): chr10:43,112,141, G>T. VCF-style: chr10-43112141-G-T. GRCh37 (hg19) VCF-style: chr10-43607589-G-T.
Other names: c.803G>T, p.Ser268Ile (NM_001355216.2); c.1565G>T, p.Ser522Ile (NM_001406743.1, NM_001406744.1, NM_001406759.1 and 4 more transcripts); c.1436G>T, p.Ser479Ile (NM_001406761.1, NM_001406762.1, NM_001406764.1 and 1 more transcripts); c.1277G>T, p.Ser426Ile (NM_001406766.1, NM_001406767.1, NM_001406770.1); c.1169G>T, p.Ser390Ile (NM_001406769.1, NM_001406772.1); c.1127G>T, p.Ser376Ile (NM_001406771.1, NM_001406773.1); c.1040G>T, p.Ser347Ile (NM_001406774.1); c.839G>T, p.Ser280Ile (NM_001406775.1, NM_001406776.1, NM_001406777.1 and 1 more transcripts); and 5 more; short protein forms S280I, S347I, S390I, S426I, S479I, S268I, S376I, S39I.
Identifiers: ClinVar variation 3788299 (VCV003788299.1).